The following is an entry in ClinVar:

NM_004387.4(NKX2-5):c.335-204del

Gene: NKX2-5 (NK2 homeobox 5; minus strand). Cytogenetic location: 5q35.1.
Variant type: Deletion.
Coding change: c.335-204del on transcript NM_004387.4 (MANE Select); 204 bases into the intron before coding-DNA position 335, one base deleted (T; older notation c.335-204delT).
Molecular consequence: intron variant. On other transcripts: 3 prime UTR variant (1), nonsense (1).
Genome position (GRCh38, 1-based): chr5:173,233,413, A deleted on the plus strand (T on the coding strand, the reverse complement: NKX2-5 is on the minus strand); the first of 2 consecutive A bases (chr5:173,233,413-173,233,414); deleting either gives the same sequence. VCF-style (leftmost placement, unchanged base first): chr5-173233412-CA-C. GRCh37 (hg19) VCF-style: chr5-172660415-CA-C.
Other names: c.*84del (NM_001166175.2); c.386del, p.Ala128_Leu129insTer (NM_001166176.2).
Identifiers: ClinVar variation 1320188 (VCV001320188.1), dbSNP rs1761374435, ClinGen allele CA1601616174.

ClinVar aggregate classification (germline): Likely pathogenic (1 of 4 stars; one submission).

Conditions:
Hypothyroidism, congenital, nongoitrous, 5 (CHNG5). Identifiers: Orphanet 95712, MedGen C2673630, MONDO:0009154, OMIM 225250.

Submission:

3billion
Classification: Likely pathogenic for Hypothyroidism, congenital, nongoitrous, 5. Last evaluated: 2021-10-02. Review status: criteria provided, single submitter. Criteria: ACMG Guidelines, 2015. Collection method: clinical testing. Allele origin: unknown. Affected: yes. Observed: 1 heterozygote.
Comment: Stop-gained (nonsense): predicted to result in a loss or disruption of normal protein function through nonsense-mediated decay (NMD) or protein truncation. Multiple pathogenic variants are reported downstream of the variant (PVS1_VS). It is not observed in the gnomAD v2.1.1 dataset (PM2). Therefore, this variant is classified as likely pathogenic according to the recommendation of ACMG/AMP guideline.